The following is an entry in ClinVar:

NM_014254.3(RXYLT1):c.1103A>C (p.His368Pro)

Genes: RXYLT1 (ribitol xylosyltransferase 1; plus strand), RXYLT1-AS1 (RXYLT1 antisense RNA 1; minus strand). Cytogenetic location: 12q14.2.
Variant type: single nucleotide variant.
Coding change: c.1103A>C on transcript NM_014254.3 (MANE Select); coding-DNA position 1103, A replaced by C.
Protein change: p.His368Pro; replaces histidine 368 with proline.
Molecular consequence: missense variant. On other transcripts: non-coding transcript variant (1).
Genome position (GRCh38, 1-based): chr12:63,808,863, A>C. VCF-style: chr12-63808863-A-C. GRCh37 (hg19) VCF-style: chr12-64202643-A-C.
Other names: c.323A>C, p.His108Pro (NM_001278237.2); short protein forms H368P, H108P.
Identifiers: ClinVar variation 569110 (VCV000569110.7), dbSNP rs1565908832, ClinGen allele CA385660185.

ClinVar aggregate classification (germline): Uncertain significance (1 of 4 stars; one submission).

Allele frequency attached by ClinVar (database versions not stated): gnomAD exomes below 0.00001.
gnomAD v4.1: 1 of 1,614,174 alleles (0.000062%); highest among the groups gnomAD compares: Non-Finnish European, 0.000085%; no homozygotes.

Submission:

Labcorp Genetics (formerly Invitae), Labcorp
Classification: Uncertain significance. Last evaluated: 2022-08-02. Review status: criteria provided, single submitter. Criteria: Invitae Variant Classification Sherloc (09022015). Collection method: clinical testing. Allele origin: germline.
Comment: This sequence change replaces histidine, which is basic and polar, with proline, which is neutral and non-polar, at codon 368 of the RXYLT1 protein (p.His368Pro). This variant is not present in population databases (gnomAD no frequency). This variant has not been reported in the literature in individuals affected with RXYLT1-related conditions. ClinVar contains an entry for this variant (Variation ID: 569110). Algorithms developed to predict the effect of missense changes on protein structure and function (SIFT, PolyPhen-2, Align-GVGD) all suggest that this variant is likely to be tolerated. In summary, the available evidence is currently insufficient to determine the role of this variant in disease. Therefore, it has been classified as a Variant of Uncertain Significance.